The following is an entry in ClinVar:

NM_001379500.1(COL18A1):c.2987C>T (p.Pro996Leu)

Genes: COL18A1 (collagen type XVIII alpha 1 chain; plus strand), SLC19A1 (solute carrier family 19 member 1; minus strand). Cytogenetic location: 21q22.3.
Variant type: single nucleotide variant.
Coding change: c.2987C>T on transcript NM_001379500.1 (MANE Select); coding-DNA position 2987, C replaced by T.
Protein change: p.Pro996Leu; replaces proline 996 with leucine.
Molecular consequence: missense variant.
Genome position (GRCh38, 1-based): chr21:45,505,252, C>T. VCF-style: chr21-45505252-C-T. GRCh37 (hg19) VCF-style: chr21-46925166-C-T.
Other names: c.3518C>T, p.Pro1173Leu (NM_030582.4); c.4223C>T, p.Pro1408Leu (NM_130444.3); short protein forms P1408L, P1173L, P996L.
Identifiers: ClinVar variation 2054125 (VCV002054125.4), dbSNP rs2517792445, ClinGen allele CA410499599.
Genomic context (GRCh38, chr21:45,505,252, plus strand): 5'-CCGGCATCGGCTACGAGGGGCGCCAGGGCCCTCCCGGCCCCCCAGGCCCCCCAGGGCCCC[C>T]TTCATTTCCTGGCCCTCACAGGCAGAGTAAGTCAGTGGGGAGTGGGCCCCGGGCAGAGGC-3'
Protein context (NP_001366429.1, residues 986-1006): PPGPPGPPGP[Pro996Leu]SFPGPHRQTI

ClinVar aggregate classification (germline): Uncertain significance (1 of 4 stars; one submission).

Submission:

Labcorp Genetics (formerly Invitae), Labcorp
Classification: Uncertain significance. Last evaluated: 2021-12-23. Review status: criteria provided, single submitter. Criteria: Invitae Variant Classification Sherloc (09022015). Collection method: clinical testing. Allele origin: germline.
Comment: This sequence change replaces proline, which is neutral and non-polar, with leucine, which is neutral and non-polar, at codon 993 of the COL18A1 protein (p.Pro993Leu). This variant is not present in population databases (gnomAD no frequency). This variant has not been reported in the literature in individuals affected with COL18A1-related conditions. Experimental studies and prediction algorithms are not available or were not evaluated, and the functional significance of this variant is currently unknown. In summary, the available evidence is currently insufficient to determine the role of this variant in disease. Therefore, it has been classified as a Variant of Uncertain Significance.